The following is an entry in ClinVar:

NM_014806.5(RUSC2):c.1567C>T (p.Arg523Cys)

Gene: RUSC2 (RUN and SH3 domain containing 2; plus strand). Cytogenetic location: 9p13.3.
Variant type: single nucleotide variant.
Coding change: c.1567C>T on transcript NM_014806.5 (MANE Select); coding-DNA position 1567, C replaced by T.
Protein change: p.Arg523Cys; replaces arginine 523 with cysteine.
Molecular consequence: missense variant. On other transcripts: non-coding transcript variant (1), intron variant (1).
Genome position (GRCh38, 1-based): chr9:35,548,088, C>T. VCF-style: chr9-35548088-C-T. GRCh37 (hg19) VCF-style: chr9-35548085-C-T.
Other names: c.1567C>T, p.Arg523Cys (NM_001135999.2); c.-620-6972C>T (NM_001330740.2); short protein forms R523C.
Identifiers: ClinVar variation 2190310 (VCV002190310.2), dbSNP rs763673201, ClinGen allele CA5043675.

ClinVar aggregate classification (germline): Uncertain significance (1 of 4 stars; one submission).

Allele frequency attached by ClinVar (database versions not stated): ExAC 0.00002; gnomAD 0.00003; TOPMed 0.00003.
gnomAD v4.1: 14 of 1,613,184 alleles (0.00087%); highest among the groups gnomAD compares: South Asian, 0.0077%; no homozygotes.

Submission:

Labcorp Genetics (formerly Invitae), Labcorp
Classification: Uncertain significance. Last evaluated: 2023-12-18. Review status: criteria provided, single submitter. Criteria: Invitae Variant Classification Sherloc (09022015). Collection method: clinical testing. Allele origin: germline.
Comment: This sequence change replaces arginine, which is basic and polar, with cysteine, which is neutral and slightly polar, at codon 523 of the RUSC2 protein (p.Arg523Cys). This variant is present in population databases (rs763673201, gnomAD 0.01%). This variant has not been reported in the literature in individuals affected with RUSC2-related conditions. ClinVar contains an entry for this variant (Variation ID: 2190310). An algorithm developed to predict the effect of missense changes on protein structure and function (PolyPhen-2) suggests that this variant is likely to be disruptive. In summary, the available evidence is currently insufficient to determine the role of this variant in disease. Therefore, it has been classified as a Variant of Uncertain Significance.